The following is an entry in ClinVar:

ClinVar aggregate classification (germline): Likely benign (1 of 4 stars; one submission).

Allele frequency attached by ClinVar (database versions not stated): ExAC 0.00005; gnomAD 0.00007; TOPMed 0.00007; gnomAD exomes 0.00008.

Submission:

CeGaT Center for Human Genetics Tuebingen
Classification: Likely benign. Last evaluated: 2023-12-01. Review status: criteria provided, single submitter. Criteria: CeGaT Center For Human Genetics Tuebingen Variant Classification Criteria Version 2. Collection method: clinical testing. Allele origin: germline. Affected: yes. Observed: 1 variant allele.
Comment: VAMP2: BP4, BP7

NM_014232.3(VAMP2):c.309C>T (p.Cys103=)

Gene: VAMP2 (vesicle associated membrane protein 2; minus strand). Cytogenetic location: 17p13.1.
Variant type: single nucleotide variant.
Coding change: c.309C>T on transcript NM_014232.3 (MANE Select); coding-DNA position 309, C replaced by T.
Protein change: p.Cys103=; no amino-acid change (cysteine 103 retained).
Molecular consequence: synonymous variant.
Genome position (GRCh38, 1-based): chr17:8,161,498, G>A on the plus strand (C>T on the coding strand, the complement: VAMP2 is on the minus strand). VCF-style: chr17-8161498-G-A. GRCh37 (hg19) VCF-style: chr17-8064816-G-A.
Other names: c.315C>T, p.Cys105= (NM_001330125.1).
Identifiers: ClinVar variation 3026123 (VCV003026123.22), dbSNP rs755036825, ClinGen allele CA8370349.
Genomic context (GRCh38, chr17:8,161,498, plus strand): 5'-AGGGAAAGGGCCCCGGCCATTCTCACCCTACTCACCTATGATGATGATGAGGATGATGGC[G>A]CAAATCACTCCCAAGATGATCATCATCTGGGGGTGAGAGGCGAGGATCAGTAAGACAAAC-3'
Protein context (NP_055047.2, residues 93-113): LKMMIILGVI[Cys103=]AIILIIIIVY